The following is an entry in ClinVar:

NM_001040108.2(MLH3):c.3792G>A (p.Glu1264=)

Gene: MLH3 (mutL homolog 3; minus strand). Cytogenetic location: 14q24.3.
Variant type: single nucleotide variant.
Coding change: c.3792G>A on transcript NM_001040108.2 (MANE Select); coding-DNA position 3792, G replaced by A.
Protein change: p.Glu1264=; no amino-acid change (glutamic acid 1264 retained).
Molecular consequence: synonymous variant.
Genome position (GRCh38, 1-based): chr14:75,032,103, C>T on the plus strand (G>A on the coding strand, the complement: MLH3 is on the minus strand). VCF-style: chr14-75032103-C-T. GRCh37 (hg19) VCF-style: chr14-75498806-C-T.
Other names: c.3720G>A, p.Glu1240= (NM_014381.3).
Identifiers: ClinVar variation 4552081 (VCV004552081.2).

ClinVar aggregate classification (germline): Benign/Likely benign. Review status: criteria provided, multiple submitters, no conflicts (2 of 4 stars). 2 submissions from 2 submitters: Benign (1); Likely benign (1). Last evaluated 2026-09-22.

Conditions:
Colorectal cancer, hereditary nonpolyposis, type 7. Identifiers: Orphanet 144, MedGen C1858380, MONDO:0013725, OMIM 614385.

gnomAD v4.1: 1 of 1,613,568 alleles (0.000062%); no homozygotes.

Submissions (2):

Myriad Genetics, Inc.
Classification: Benign for Colorectal cancer, hereditary nonpolyposis, type 7. Last evaluated: 2026-09-22. Review status: criteria provided, single submitter. Criteria: Myriad Autosomal Dominant, Autosomal Recessive and X-Linked Classification Criteria (2023). Collection method: clinical testing. Allele origin: unknown.
Comment: This variant is considered benign. This variant is a silent/synonymous amino acid change and it is not expected to impact splicing.

Ambry Genetics
Classification: Likely benign. Last evaluated: 2025-10-06. Review status: criteria provided, single submitter. Criteria: Ambry Variant Classification Scheme 2023. Collection method: clinical testing. Allele origin: germline.